The following is an entry in ClinVar:

NM_005474.5(HDAC5):c.2261C>T (p.Thr754Ile)

Gene: HDAC5 (histone deacetylase 5; minus strand). Cytogenetic location: 17q21.31.
Variant type: single nucleotide variant.
Coding change: c.2261C>T on transcript NM_005474.5 (MANE Select); coding-DNA position 2261, C replaced by T.
Protein change: p.Thr754Ile; replaces threonine 754 with isoleucine.
Molecular consequence: missense variant.
Genome position (GRCh38, 1-based): chr17:44,084,599, G>A on the plus strand (C>T on the coding strand, the complement: HDAC5 is on the minus strand). VCF-style: chr17-44084599-G-A. GRCh37 (hg19) VCF-style: chr17-42161967-G-A.
Other names: c.2264C>T, p.Thr755Ile (NM_001015053.2); c.2261C>T, p.Thr754Ile (NM_001382393.1); short protein forms T754I, T755I.
Identifiers: ClinVar variation 3765783 (VCV003765783.1).
Genomic context (GRCh38, chr17:44,084,599, plus strand): 5'-CCATGTGCCAGCTCACCGAGCAACTTCTTGCTGTCTAGCTTCTGCCGGTTGAGGGGACTG[G>A]TCCCATAGAGCAGGGTGTGGTATTCAGAGTGCACTGTCTGGATCTCATCTAGCGTGGCTT-3'
Protein context (NP_005465.2, residues 744-764): HSEYHTLLYG[Thr754Ile]SPLNRQKLDS

ClinVar aggregate classification (germline): Uncertain significance (1 of 4 stars; one submission).

Submission:

Greenwood Genetic Center Diagnostic Laboratories, Greenwood Genetic Center
Classification: Uncertain significance. Last evaluated: 2024-11-21. Review status: criteria provided, single submitter. Criteria: ACMG Guidelines, 2015. Collection method: clinical testing. Allele origin: germline. Affected: yes.
Comment: Gene of Uncertain Significance